The following is an entry in ClinVar:

ClinVar aggregate classification (germline): Uncertain significance (1 of 4 stars; one submission).

Conditions:
Cardiovascular phenotype. Identifiers: MedGen CN230736.

gnomAD v4.1: 1 of 1,614,100 alleles (0.000062%); highest among the groups gnomAD compares: Non-Finnish European, 0.000085%; no homozygotes.

Submission:

Ambry Genetics
Classification: Uncertain significance for Cardiovascular phenotype. Last evaluated: 2025-09-28. Review status: criteria provided, single submitter. Criteria: Ambry Variant Classification Scheme 2023. Collection method: clinical testing. Allele origin: germline.
Comment: The p.V535L variant (also known as c.1603G>T), located in coding exon 11 of the CBL gene, results from a G to T substitution at nucleotide position 1603. The valine at codon 535 is replaced by leucine, an amino acid with highly similar properties. This amino acid position is conserved. In addition, this alteration is predicted to be tolerated by in silico analysis. Based on the available evidence, the clinical significance of this variant remains unclear.

NM_005188.4(CBL):c.1603G>T (p.Val535Leu)

Gene: CBL (Cbl proto-oncogene; plus strand). Cytogenetic location: 11q23.3.
Variant type: single nucleotide variant.
Coding change: c.1603G>T on transcript NM_005188.4 (MANE Select); coding-DNA position 1603, G replaced by T.
Protein change: p.Val535Leu; replaces valine 535 with leucine.
Molecular consequence: missense variant.
Genome position (GRCh38, 1-based): chr11:119,285,228, G>T. VCF-style: chr11-119285228-G-T. GRCh37 (hg19) VCF-style: chr11-119155938-G-T.
Other names: short protein forms V535L.
Identifiers: ClinVar variation 4613825 (VCV004613825.1).